The following is an entry in ClinVar:

NM_006767.4(LZTR1):c.1235G>T (p.Arg412Leu)

Gene: LZTR1 (leucine zipper like post translational regulator 1; plus strand). Cytogenetic location: 22q11.21.
Variant type: single nucleotide variant.
Coding change: c.1235G>T on transcript NM_006767.4 (MANE Select); coding-DNA position 1235, G replaced by T.
Protein change: p.Arg412Leu; replaces arginine 412 with leucine.
Molecular consequence: missense variant.
Genome position (GRCh38, 1-based): chr22:20,992,879, G>T. VCF-style: chr22-20992879-G-T. GRCh37 (hg19) VCF-style: chr22-21347168-G-T.
Other names: short protein forms R412L.
Identifiers: ClinVar variation 1302420 (VCV001302420.4), dbSNP rs935736801, ClinGen allele CA410774040.

ClinVar aggregate classification (germline): Uncertain significance. Review status: criteria provided, multiple submitters, no conflicts (2 of 4 stars). 3 submissions from 3 submitters: Uncertain significance (3). Last evaluated 2025-10-01.

Submissions (3):

Labcorp Genetics (formerly Invitae), Labcorp
Classification: Uncertain significance. Last evaluated: 2025-10-01. Review status: criteria provided, single submitter. Criteria: Invitae Variant Classification Sherloc (09022015). Collection method: clinical testing. Allele origin: germline.
Comment: This sequence change replaces arginine, which is basic and polar, with leucine, which is neutral and non-polar, at codon 412 of the LZTR1 protein (p.Arg412Leu). This variant is not present in population databases (gnomAD no frequency). This variant has not been reported in the literature in individuals affected with LZTR1-related conditions. ClinVar contains an entry for this variant (Variation ID: 1302420). Invitae Evidence Modeling of protein sequence and biophysical properties (such as structural, functional, and spatial information, amino acid conservation, physicochemical variation, residue mobility, and thermodynamic stability) indicates that this missense variant is not expected to disrupt LZTR1 protein function with a negative predictive value of 80%. This variant disrupts the p.Arg412 amino acid residue in LZTR1. Other variant(s) that disrupt this residue have been determined to be pathogenic (internal data). This suggests that this residue is clinically significant, and that variants that disrupt this residue are likely to be disease-causing. In summary, the available evidence is currently insufficient to determine the role of this variant in disease. Therefore, it has been classified as a Variant of Uncertain Significance.

Blueprint Genetics
Classification: Uncertain significance. Last evaluated: 2022-03-04. Review status: criteria provided, single submitter. Criteria: ACMG Guidelines, 2015. Collection method: clinical testing. Allele origin: germline.

GeneDx
Classification: Uncertain significance. Last evaluated: 2021-09-28. Review status: criteria provided, single submitter. Criteria: GeneDx Variant Classification Process June 2021. Collection method: clinical testing. Allele origin: germline. Affected: yes.
Comment: Not observed in large population cohorts (Lek et al., 2016); In silico analysis supports that this missense variant has a deleterious effect on protein structure/function; Has not been previously published as pathogenic or benign to our knowledge